The following is an entry in ClinVar:

NM_138927.4(SON):c.3247A>G (p.Met1083Val)

Gene: SON (SON DNA and RNA binding protein; plus strand). Cytogenetic location: 21q22.11.
Variant type: single nucleotide variant.
Coding change: c.3247A>G on transcript NM_138927.4 (MANE Select); coding-DNA position 3247, A replaced by G.
Protein change: p.Met1083Val; replaces methionine 1083 with valine.
Molecular consequence: missense variant. On other transcripts: non-coding transcript variant (1), intron variant (1).
Genome position (GRCh38, 1-based): chr21:33,552,478, A>G. VCF-style: chr21-33552478-A-G. GRCh37 (hg19) VCF-style: chr21-34924784-A-G.
Other names: c.3247A>G (NM_138927.1); c.3247A>G, p.Met1083Val (NM_001291411.2, NM_032195.3); c.245-4678A>G (NM_001291412.3); short protein forms M1083V.
Identifiers: ClinVar variation 1670704 (VCV001670704.32), dbSNP rs371537268, ClinGen allele CA10009241.

ClinVar aggregate classification (germline): Benign/Likely benign. Review status: criteria provided, multiple submitters, no conflicts (2 of 4 stars). 3 submissions from 3 submitters: Benign (1); Likely benign (2). Last evaluated 2026-01-22.

Conditions:
Inborn genetic diseases. Identifiers: MedGen C0950123, MeSH D030342.

Allele frequency attached by ClinVar (database versions not stated): gnomAD 0.00001 and 0.00002; gnomAD exomes 0.00002 and 0.00005; TOPMed 0.00002; ExAC 0.00007; ESP Exome Variant Server 0.00008.

Submissions (3):

Ambry Genetics
Classification: Likely benign for Inborn genetic diseases. Last evaluated: 2026-01-22. Review status: criteria provided, single submitter. Criteria: Ambry Variant Classification Scheme 2023. Collection method: clinical testing. Allele origin: germline.

Labcorp Genetics (formerly Invitae), Labcorp
Classification: Benign. Last evaluated: 2025-12-28. Review status: criteria provided, single submitter. Criteria: Invitae Variant Classification Sherloc (09022015). Collection method: clinical testing. Allele origin: germline.

CeGaT Center for Human Genetics Tuebingen
Classification: Likely benign. Last evaluated: 2023-04-01. Review status: criteria provided, single submitter. Criteria: CeGaT Center For Human Genetics Tuebingen Variant Classification Criteria Version 2. Collection method: clinical testing. Allele origin: germline. Affected: yes. Observed: 1 variant allele.
Comment: SON: BS1